The following is an entry in ClinVar:

ClinVar aggregate classification (germline): Pathogenic (1 of 4 stars; one submission).

Allele frequency attached by ClinVar (database versions not stated): ExAC 0.00001; gnomAD exomes 0.00001.
gnomAD v4.1: 16 of 1,613,826 alleles (0.00099%); highest among the groups gnomAD compares: Admixed American, 0.0033%; no homozygotes.

Submission:

Labcorp Genetics (formerly Invitae), Labcorp
Classification: Pathogenic. Last evaluated: 2024-01-31. Review status: criteria provided, single submitter. Criteria: Invitae Variant Classification Sherloc (09022015). Collection method: clinical testing. Allele origin: germline.
Comment: This sequence change replaces glycine, which is neutral and non-polar, with serine, which is neutral and polar, at codon 569 of the ABCA3 protein (p.Gly569Ser). This variant is present in population databases (rs745941309, gnomAD 0.006%). This missense change has been observed in individual(s) with clinical features of autosomal dominant ABCA3-related conditions (Invitae). In at least one individual the variant was observed to be de novo. ClinVar contains an entry for this variant (Variation ID: 2149613). Advanced modeling of protein sequence and biophysical properties (such as structural, functional, and spatial information, amino acid conservation, physicochemical variation, residue mobility, and thermodynamic stability) performed at Invitae indicates that this missense variant is expected to disrupt ABCA3 protein function with a positive predictive value of 80%. For these reasons, this variant has been classified as Pathogenic.

NM_001089.3(ABCA3):c.1705G>A (p.Gly569Ser)

Gene: ABCA3 (ATP binding cassette subfamily A member 3; minus strand). Cytogenetic location: 16p13.3.
Variant type: single nucleotide variant.
Coding change: c.1705G>A on transcript NM_001089.3 (MANE Select); coding-DNA position 1705, G replaced by A.
Protein change: p.Gly569Ser; replaces glycine 569 with serine.
Molecular consequence: missense variant.
Genome position (GRCh38, 1-based): chr16:2,299,439, C>T on the plus strand (G>A on the coding strand, the complement: ABCA3 is on the minus strand). VCF-style: chr16-2299439-C-T. GRCh37 (hg19) VCF-style: chr16-2349440-C-T.
Other names: short protein forms G569S.
Identifiers: ClinVar variation 2149613 (VCV002149613.4), dbSNP rs745941309, ClinGen allele CA7841134.
Genomic context (GRCh38, chr16:2,299,439, plus strand): 5'-GGGCGTGAGGCGCCTGGCCCTCACCTGTGAGCATGGAGAGGGTGGTGGTCTTCCCGGCAC[C>T]GTTGTGGCCCAGCAGGACGGTGATCTGTCCCTCGTACAGGTTGAGGTTCAGGTCTCTGAC-3'
Protein context (NP_001080.2, residues 559-579): GQITVLLGHN[Gly569Ser]AGKTTTLSML